The following is an entry in ClinVar:

ClinVar aggregate classification (germline): Uncertain significance (1 of 4 stars; one submission).

Submission:

Labcorp Genetics (formerly Invitae), Labcorp
Classification: Uncertain significance. Last evaluated: 2022-07-06. Review status: criteria provided, single submitter. Criteria: Invitae Variant Classification Sherloc (09022015). Collection method: clinical testing. Allele origin: germline.
Comment: This sequence change replaces asparagine, which is neutral and polar, with serine, which is neutral and polar, at codon 881 of the CLTC protein (p.Asn881Ser). In summary, the available evidence is currently insufficient to determine the role of this variant in disease. Therefore, it has been classified as a Variant of Uncertain Significance. Algorithms developed to predict the effect of sequence changes on RNA splicing suggest that this variant may create or strengthen a splice site. Algorithms developed to predict the effect of missense changes on protein structure and function are either unavailable or do not agree on the potential impact of this missense change (SIFT: "Deleterious"; PolyPhen-2: "Not Available"; Align-GVGD: "Class C0"). ClinVar contains an entry for this variant (Variation ID: 1381196). This variant has not been reported in the literature in individuals affected with CLTC-related conditions. This variant is not present in population databases (gnomAD no frequency).

NM_004859.4(CLTC):c.2630A>G (p.Asn877Ser)

Gene: CLTC (clathrin heavy chain; plus strand). Cytogenetic location: 17q23.1.
Variant type: single nucleotide variant.
Coding change: c.2630A>G on transcript NM_004859.4 (MANE Select); coding-DNA position 2630, A replaced by G.
Protein change: p.Asn877Ser; replaces asparagine 877 with serine.
Molecular consequence: missense variant.
Genome position (GRCh38, 1-based): chr17:59,677,022, A>G. VCF-style: chr17-59677022-A-G. GRCh37 (hg19) VCF-style: chr17-57754383-A-G.
Other names: c.2642A>G, p.Asn881Ser (NM_001288653.2); short protein forms N881S, N877S.
Identifiers: ClinVar variation 1381196 (VCV001381196.6), dbSNP rs2143580641, ClinGen allele CA400415792.